The following is an entry in ClinVar:

ClinVar aggregate classification (germline): Pathogenic/Likely pathogenic. Review status: criteria provided, multiple submitters, no conflicts (2 of 4 stars). 16 submissions from 15 submitters: Pathogenic (11); Likely pathogenic (3). 2 of the submissions do not count toward it. Last evaluated 2025-09-13.

Conditions:
Breast-ovarian cancer, familial, susceptibility to, 5 (BROVCA5). Identifiers: MedGen C5830615, MONDO:0957530, OMIM 620442.
ATP7B-related disorder. Also called: ATP7B-related condition.
Wilson disease (WND). Also called: Wilson's disease. Identifiers: Orphanet 905, MedGen C0019202, MONDO:0010200, OMIM 277900. Disease mechanism: loss of function.

Allele frequency attached by ClinVar (database versions not stated): gnomAD 0.00001; TOPMed 0.00001; ExAC 0.00003; gnomAD exomes 0.00003.
gnomAD v4.1: 34 of 1,614,062 alleles (0.0021%); highest among the groups gnomAD compares: Middle Eastern, 0.016%; no homozygotes.

Submissions 1 to 12 of 16:

Natera, Inc.
Classification: Pathogenic for Wilson disease. Last evaluated: 2025-09-13. Review status: criteria provided, single submitter. Criteria: Natera Variant Classification Schema (03/2026). Collection method: clinical testing. Allele origin: germline.
Comment: The c.2383C>T variant in ATP7B is a missense variant predicted to cause substitution of leucine to phenylalanine at amino acid 795. This variant is rare in the general population with a frequency below the threshold expected for the associated phenotype(s). This variant has been observed in one or more individuals affected with the associated recessive disease, as either homozygous or compound heterozygous with a second variant (PMID: 24475083, 23551039). Computational prediction algorithms indicate this variant is likely to affect gene or protein function. Given the available evidence, this variant is classified as Pathogenic.

Genomic Medicine Center of Excellence, King Faisal Specialist Hospital and Research Centre
Classification: Pathogenic for Wilson disease. Last evaluated: 2025-09-10. Review status: criteria provided, single submitter. Criteria: ACMG Guidelines, 2015. Collection method: clinical testing. Allele origin: germline.

Color Diagnostics, LLC DBA Color Health
Classification: Pathogenic for Wilson disease. Last evaluated: 2025-06-30. Review status: criteria provided, single submitter. Criteria: ACMG Guidelines, 2015. Collection method: clinical testing. Allele origin: germline.
Comment: This missense variant replaces leucine with phenylalanine at codon 795 of the ATP7B protein. This variant alters a conserved leucine residue in the actuator domain of the ATP7B protein (a.a. 786 - 917), a region that is considered to be important for ATP7B protein function (PMID: 35245129ClinVar). Computational prediction suggests that this variant may have deleterious impact on protein structure and function. A functional study has shown the mutant protein to exhibit similar protein expression levels compared to wild type but altered subcellular localization (dispersed in the cytoplasm and lack of co-localization with vesicle-like structures) (PMID: 27122662). This variant has been observed in over 15 individuals affected with autosomal recessive Wilson disease (PMID: 9311736, 23235335, 24094725, 27022412, 34400371, 34470610), including three individuals in a homozygous state (PMID: 23551039, 30120852) and seven individuals in the compound heterozygous state with a second pathogenic ATP7B variant (PMID: 17264425, 23518715, 23551039, 24475083, 25376582, 30120852). This variant has been identified in 7/249580 chromosomes in the general population by the Genome Aggregation Database (gnomAD). Based on the available evidence, this variant is classified as Pathogenic.

Labcorp Genetics (formerly Invitae), Labcorp
Classification: Pathogenic for Wilson disease. Last evaluated: 2025-01-27. Review status: criteria provided, single submitter. Criteria: Invitae Variant Classification Sherloc (09022015). Collection method: clinical testing. Allele origin: germline.
Comment: This sequence change replaces leucine, which is neutral and non-polar, with phenylalanine, which is neutral and non-polar, at codon 795 of the ATP7B protein (p.Leu795Phe). This variant is present in population databases (rs751710854, gnomAD 0.01%). This missense change has been observed in individual(s) with Wilson disease (WD) (PMID: 9311736, 17264425, 23235335, 23551039, 24094725, 26207595, 27022412). ClinVar contains an entry for this variant (Variation ID: 188814). Invitae Evidence Modeling of protein sequence and biophysical properties (such as structural, functional, and spatial information, amino acid conservation, physicochemical variation, residue mobility, and thermodynamic stability) indicates that this missense variant is expected to disrupt ATP7B protein function with a positive predictive value of 80%. For these reasons, this variant has been classified as Pathogenic.

Genomic Medicine Center of Excellence, King Faisal Specialist Hospital and Research Centre
Classification: Pathogenic for Breast-ovarian cancer, familial, susceptibility to, 5. Last evaluated: 2024-12-17. Review status: criteria provided, single submitter. Criteria: ACMG Guidelines, 2015. Collection method: clinical testing. Allele origin: germline.

All of Us Research Program, National Institutes of Health
Classification: Pathogenic for Wilson disease. Last evaluated: 2024-08-06. Review status: criteria provided, single submitter. Criteria: ACMG Guidelines, 2015. Collection method: clinical testing. Allele origin: germline. Inheritance: Autosomal recessive inheritance. Observed: 4 variant alleles, 4 heterozygotes.
Comment: This missense variant replaces leucine with phenylalanine at codon 795 of the ATP7B protein. Computational prediction suggests that this variant may have deleterious impact on protein structure and function (internally defined REVEL score threshold >= 0.7, PMID: 27666373). A functional study has shown the mutant protein to exhibit similar protein expression levels compared to wild type but altered subcellular localization (dispersed in the cytoplasm and lack of co-localization with vesicle-like structures) (PMID: 27122662). This variant has been observed in over 15 individuals affected with autosomal recessive Wilson disease (PMID: 9311736, 23235335, 24094725, 27022412, 34400371, 34470610), including three individuals in a homozygous state (PMID: 23551039, 30120852) and seven individuals in the compound heterozygous state with a second pathogenic ATP7B variant (PMID: 17264425, 23518715, 23551039, 24475083, 25376582, 30120852). This variant has been identified in 7/249580 chromosomes in the general population by the Genome Aggregation Database (gnomAD). Based on the available evidence, this variant is classified as Pathogenic.

This study involves interpretation of variants in research participants for the purpose of population health screening. Participant phenotype was not available at the time of variant classification. Additional details can be found in publication PMID: 35346344, PMCID: PMC8962531

Fulgent Genetics
Classification: Likely pathogenic for Wilson disease. Last evaluated: 2024-06-01. Review status: criteria provided, single submitter. Criteria: ACMG Guidelines, 2015. Collection method: clinical testing. Allele origin: germline.

Blueprint Genetics
Classification: Pathogenic for ATP7B-related disorders. Last evaluated: 2024-04-12. Review status: criteria provided, single submitter. Criteria: ACMG Guidelines, 2015. Collection method: clinical testing. Allele origin: germline. Affected: yes. Observed: 3 variant alleles.

Baylor Genetics
Classification: Pathogenic for Wilson disease. Last evaluated: 2024-02-14. Review status: criteria provided, single submitter. Criteria: ACMG Guidelines, 2015. Collection method: clinical testing. Allele origin: unknown.

Neuberg Centre For Genomic Medicine, NCGM
Classification: Pathogenic for Wilson disease. Last evaluated: 2023-07-22. Review status: criteria provided, single submitter. Criteria: ACMG Guidelines, 2015. Collection method: clinical testing. Allele origin: germline. Inheritance: Autosomal recessive inheritance. Affected: yes.
Comment: The observed missense c.2383C>T p.Leu795Phe variant in ATP7B gene has been reported previously in homozygous and compound heterozygous states in multiple individuals affected with Wilson's disease Chang IJ et al. 2017; Dong Y, et. al., 2016; Mukherjee S, et. al., 2014. The p.Leu795Phe variant has allele frequency 0.003% in gnomAD Exomes. This variant has been submitted to the ClinVar database as Likely Pathogenic/ Pathogenic multiple submitters. Multiple lines of computational evidence Polyphen - Probably damaging, SIFT – Damaging and Mutation Taster - Disease causing predict a damaging effect on protein structure and function for this variant. The reference amino acid on ATP7B gene is predicted as conserved by GERP++ and PhyloP across 100 vertebrates. The amino acid Leu at position 795 is changed to a Phe changing protein sequence and it might alter its composition and physico-chemical properties. For these reasons, this variant has been classified as Pathogenic. In the absence of another reportable variant in ATP7B gene, the molecular diagnosis is not confirmed.

Genome-Nilou Lab
Classification: Pathogenic for Wilson disease. Last evaluated: 2021-08-10. Review status: criteria provided, single submitter. Criteria: ACMG Guidelines, 2015. Collection method: clinical testing. Allele origin: germline. Affected: no.

Laboratory for Molecular Medicine, Mass General Brigham Personalized Medicine
Classification: Likely pathogenic for Wilson disease. Last evaluated: 2020-06-11. Review status: criteria provided, single submitter. Criteria: ACMG Guidelines, 2015. Collection method: clinical testing. Allele origin: germline.
Comment: The p.Leu795Phe variant in ATP7B has been previously reported in several individuals with Wilson disease, including at least 1 homozygote and 3 compound heterozygotes (Aggarwal 2013, Li 2013, Mukherjee 2014, Santhosh 2006, Shah 1997). It has been identified in 3/30602 South Asian chromosomes by gnomAD; however, this frequency is low enough to be consistent with a recessive allele frequency. Computational prediction tools and conservation analysis suggest that this variant may impact the protein, though this information is not predictive enough to determine pathogenicity. In summary, although additional studies are required to fully establish its clinical significance, this variant meets criteria to be classified as likely pathogenic for autosomal recessive Wilson disease. ACMG/AMP Criteria applied: PM2, PM3, PP3, PP4.

NM_000053.4(ATP7B):c.2383C>T (p.Leu795Phe)

Gene: ATP7B (ATPase copper transporting beta; minus strand). Cytogenetic location: 13q14.3.
Variant type: single nucleotide variant.
Coding change: c.2383C>T on transcript NM_000053.4 (MANE Select); coding-DNA position 2383, C replaced by T.
Protein change: p.Leu795Phe; replaces leucine 795 with phenylalanine.
Molecular consequence: missense variant.
Genome position (GRCh38, 1-based): chr13:51,957,580, G>A on the plus strand (C>T on the coding strand, the complement: ATP7B is on the minus strand). VCF-style: chr13-51957580-G-A. GRCh37 (hg19) VCF-style: chr13-52531716-G-A.
Other names: c.1897C>T, p.Leu633Phe (NM_001005918.3); c.2050C>T, p.Leu684Phe (NM_001243182.2); c.2149C>T, p.Leu717Phe (NM_001330578.2); c.2131C>T, p.Leu711Phe (NM_001330579.2); short protein forms L795F, L711F, L717F, L633F, L684F.
Identifiers: ClinVar variation 188814 (VCV000188814.34), dbSNP rs751710854, ClinGen allele CA273992.